The following is an entry in ClinVar:

NM_018082.6(POLR3B):c.2142T>G (p.Tyr714Ter)

Gene: POLR3B (RNA polymerase III subunit B; plus strand). Cytogenetic location: 12q23.3.
Variant type: single nucleotide variant.
Coding change: c.2142T>G on transcript NM_018082.6 (MANE Select); coding-DNA position 2142, T replaced by G.
Protein change: p.Tyr714Ter; replaces tyrosine 714 with a stop codon.
Molecular consequence: nonsense.
Genome position (GRCh38, 1-based): chr12:106,454,560, T>G. VCF-style: chr12-106454560-T-G. GRCh37 (hg19) VCF-style: chr12-106848338-T-G.
Other names: c.1968T>G, p.Tyr656Ter (NM_001160708.2); short protein forms Y656*, Y714*.
Identifiers: ClinVar variation 4850201 (VCV004850201.1).
Genomic context (GRCh38, chr12:106,454,560, plus strand): 5'-AGGTACTATAGGATACAACCAGCGAAACAGAATTGATACTCTCATGTATCTACTAGCATA[T>G]CCACAAAAACCCATGGTTAAGACAAAAACCATTGAATTGATAGAATTTGAGAAACTGCCA-3'

ClinVar aggregate classification (germline): Likely pathogenic (1 of 4 stars; one submission).

Conditions:
Leukodystrophy, hypomyelinating, 8, with or without oligodontia and/or hypogonadotropic hypogonadism. Also called: LEUKODYSTROPHY, HYPOMYELINATING, 8, WITH HYPODONTIA AND HYPOGONADOTROPIC HYPOGONADISM; Hypomyelinating leukodystrophy 8 with or without oligodontia and-or hypogonadotropic hypogonadism; Endosteal sclerosis-cerebellar hypoplasia syndrome. Identifiers: Orphanet 85186, Orphanet 88637, MedGen C3280644, MONDO:0013722, OMIM 614381.

Submission:

Variantyx, Inc.
Classification: Likely pathogenic for Leukodystrophy, hypomyelinating, 8, with or without oligodontia and/or hypogonadotropic hypogonadism. Last evaluated: 2025-04-22. Review status: criteria provided, single submitter. Criteria: Variantyx Assertion Criteria 2022. Collection method: clinical testing. Allele origin: de novo. Inheritance: Autosomal recessive inheritance. Affected: no.
Comment: This is a nonsense variant in the POLR3B gene (OMIM: 614366). Pathogenic variants in this gene have been associated with autosomal recessive hypomyelinating leukodystrophy 8, with or without oligodontia and/or hypogonadotropic hypogonadism. This variant introduces a premature termination codon in exon 20 out of 28 and is expected to result in loss of function, which is a known disease mechanism for POLR3B in this disorder (PVS1) (PMID: 22036171;22036172).. This variant is absent from control populations (PM2) and it has not been reported in individuals with POLR3B-related disorders in the databases available for review. Based on the current evidence, this variant is classified as likely pathogenic for autosomal recessive hypomyelinating leukodystrophy 8, with or without oligodontia and/or hypogonadotropic hypogonadism. .Of note, heterozygous de novo variants in the POLR3B gene have been reported in association with later-onset movement disorders; however, it is unclear whether haploinsufficiency may cause these phenotypes (PMID:33417887).

Literature cited by the submitters: PubMed 22036171; PubMed 22036172; PubMed 33417887.